The following is an entry in ClinVar:

NM_021620.4(PRDM13):c.523C>A (p.His175Asn)

Gene: PRDM13 (PR/SET domain 13; plus strand). Cytogenetic location: 6q16.2.
Variant type: single nucleotide variant.
Coding change: c.523C>A on transcript NM_021620.4 (MANE Select); coding-DNA position 523, C replaced by A.
Protein change: p.His175Asn; replaces histidine 175 with asparagine.
Molecular consequence: missense variant.
Genome position (GRCh38, 1-based): chr6:99,613,158, C>A. VCF-style: chr6-99613158-C-A. GRCh37 (hg19) VCF-style: chr6-100061034-C-A.
Other names: short protein forms H175N.
Identifiers: ClinVar variation 3692347 (VCV003692347.2).

ClinVar aggregate classification (germline): Uncertain significance (1 of 4 stars; one submission).

gnomAD v4.1: 1 of 1,613,064 alleles (0.000062%); no homozygotes.

Submission:

Labcorp Genetics (formerly Invitae), Labcorp
Classification: Uncertain significance. Last evaluated: 2024-05-16. Review status: criteria provided, single submitter. Criteria: Invitae Variant Classification Sherloc (09022015). Collection method: clinical testing. Allele origin: germline.
Comment: This sequence change replaces histidine, which is basic and polar, with asparagine, which is neutral and polar, at codon 175 of the PRDM13 protein (p.His175Asn). This variant is present in population databases (rs764008021, gnomAD 0.0009%). This variant has not been reported in the literature in individuals affected with PRDM13-related conditions. An algorithm developed to predict the effect of missense changes on protein structure and function (PolyPhen-2) suggests that this variant is likely to be tolerated. In summary, the available evidence is currently insufficient to determine the role of this variant in disease. Therefore, it has been classified as a Variant of Uncertain Significance.